The following is an entry in ClinVar:

ClinVar aggregate classification (germline): Uncertain significance (1 of 4 stars; one submission).

Submission:

Labcorp Genetics (formerly Invitae), Labcorp
Classification: Uncertain significance. Last evaluated: 2022-03-14. Review status: criteria provided, single submitter. Criteria: Invitae Variant Classification Sherloc (09022015). Collection method: clinical testing. Allele origin: germline.
Comment: In summary, the available evidence is currently insufficient to determine the role of this variant in disease. Therefore, it has been classified as a Variant of Uncertain Significance. Experimental studies and prediction algorithms are not available or were not evaluated, and the functional significance of this variant is currently unknown. This variant has not been reported in the literature in individuals affected with MICAL1-related conditions. This variant is not present in population databases (gnomAD no frequency). This variant, c.3131_3133del, results in the deletion of 1 amino acid(s) of the MICAL1 protein (p.Ala1044del), but otherwise preserves the integrity of the reading frame.

NM_022765.4(MICAL1):c.3071CTG[1] (p.Ala1025del)

Gene: MICAL1 (microtubule associated monooxygenase, calponin and LIM domain containing 1; minus strand). Cytogenetic location: 6q21.
Variant type: Microsatellite.
Coding change: c.3071CTG[1] on transcript NM_022765.4 (MANE Select); one copy of the 3-base unit CTG starting at c.3071; the reference has two copies in a row; one copy, 3 bases deleted.
Protein change: p.Ala1025del; deletes alanine 1025.
Molecular consequence: inframe deletion.
Genome position (GRCh38, 1-based): chr6:109,444,319-109,444,321, CAG deleted on the plus strand (CTG on the coding strand, the reverse complement: MICAL1 is on the minus strand); deleting any 3 consecutive bases within chr6:109,444,319-109,444,325 gives the same sequence; the position shown is the placement nearest the transcript's 3' end. VCF-style (leftmost placement, unchanged base first): chr6-109444318-TCAG-T. GRCh37 (hg19) VCF-style: chr6-109765521-TCAG-T.
Other names: c.2813CTG[1], p.Ala939del (NM_001159291.2); c.3128CTG[1], p.Ala1044del (NM_001286613.2); short protein forms A1044del, A1025del, A939del.
Identifiers: ClinVar variation 2111735 (VCV002111735.4), dbSNP rs2482761169, ClinGen allele CA2580617318.
Genomic context (GRCh38, chr6:109,444,318, plus strand): 5'-GCATCTCTCTGGTTGACCAAATCCACCAGCTTCCTCAGGACCTGGTCCTCAGCCTGCCGA[TCAG>T]CAGCTGTCTTTAGGTTTTCTAAAAGGAGGAGACAAAGCTTAGAGAACAGGGAACTGGGCA-3'